The following is an entry in ClinVar:

NM_172364.5(CACNA2D4):c.2046C>T (p.Ala682=)

Gene: CACNA2D4 (calcium voltage-gated channel auxiliary subunit alpha2delta 4; minus strand). Cytogenetic location: 12p13.33.
Variant type: single nucleotide variant.
Coding change: c.2046C>T on transcript NM_172364.5 (MANE Select); coding-DNA position 2046, C replaced by T.
Protein change: p.Ala682=; no amino-acid change (alanine 682 retained).
Molecular consequence: synonymous variant.
Genome position (GRCh38, 1-based): chr12:1,856,192, G>A on the plus strand (C>T on the coding strand, the complement: CACNA2D4 is on the minus strand). VCF-style: chr12-1856192-G-A. GRCh37 (hg19) VCF-style: chr12-1965358-G-A.
Identifiers: ClinVar variation 307855 (VCV000307855.44), dbSNP rs116214586, ClinGen allele CA6386874.

ClinVar aggregate classification (germline): Conflicting classifications of pathogenicity. Review status: criteria provided, conflicting classifications (1 of 4 stars). 6 submissions from 6 submitters: Uncertain significance (2); Likely benign (3). 1 of the submissions does not count toward it. Last evaluated 2025-12-03.

Conditions:
Retinal cone dystrophy 4 (RCD4). Identifiers: Orphanet 1872, MedGen C1864849, MONDO:0012507, OMIM 610478.
CACNA2D4-related disorder. Also called: CACNA2D4-related condition.

Allele frequency attached by ClinVar (database versions not stated): TOPMed 0.00014; 1000 Genomes Project 30x 0.00031.
gnomAD v4.1: 186 of 1,613,964 alleles (0.012%); highest among the groups gnomAD compares: Middle Eastern, 0.13%; 1 homozygote.

Submissions (6):

Labcorp Genetics (formerly Invitae), Labcorp
Classification: Likely benign. Last evaluated: 2025-12-03. Review status: criteria provided, single submitter. Criteria: Invitae Variant Classification Sherloc (09022015). Collection method: clinical testing. Allele origin: germline.

Blueprint Genetics
Classification: Likely benign. Last evaluated: 2024-11-08. Review status: criteria provided, single submitter. Criteria: ACMG Guidelines, 2015. Collection method: clinical testing. Allele origin: germline.

CeGaT Center for Human Genetics Tuebingen
Classification: Likely benign. Last evaluated: 2023-02-01. Review status: criteria provided, single submitter. Criteria: CeGaT Center For Human Genetics Tuebingen Variant Classification Criteria Version 2. Collection method: clinical testing. Allele origin: germline. Affected: yes. Observed: 1 variant allele.
Comment: CACNA2D4: BP4, BP7

Illumina Laboratory Services, Illumina
Classification: Uncertain significance for Retinal cone dystrophy 4. Last evaluated: 2018-01-13. Review status: criteria provided, single submitter. Criteria: ICSL Variant Classification Criteria 13 December 2019. Collection method: clinical testing. Allele origin: germline.

Eurofins Ntd Llc (ga)
Classification: Uncertain significance. Last evaluated: 2016-12-27. Review status: criteria provided, single submitter. Criteria: EGL Classification Definitions 2015. Collection method: clinical testing. Allele origin: germline. Observed: 1 variant allele, 1 heterozygote.

PreventionGenetics, part of Exact Sciences
Classification: Likely benign for CACNA2D4-related condition. Last evaluated: 2019-05-24. Review status: no assertion criteria provided. Collection method: clinical testing. Allele origin: germline. Not counted in ClinVar's aggregate classification.
Comment: This variant is classified as likely benign based on ACMG/AMP sequence variant interpretation guidelines (Richards et al. 2015 PMID: 25741868, with internal and published modifications).